The following is an entry in ClinVar:

ClinVar aggregate classification (germline): Uncertain significance (1 of 4 stars; one submission).

Submission:

GeneDx
Classification: Uncertain significance. Last evaluated: 2024-10-24. Review status: criteria provided, single submitter. Criteria: GeneDx Variant Classification Process June 2021. Collection method: clinical testing. Allele origin: germline. Affected: yes.
Comment: Not observed at significant frequency in large population cohorts (gnomAD); In silico analysis supports that this missense variant has a deleterious effect on protein structure/function; Has not been previously published as pathogenic or benign to our knowledge

NM_002764.4(PRPS1):c.678T>G (p.Cys226Trp)

Gene: PRPS1 (phosphoribosyl pyrophosphate synthetase 1; plus strand). Cytogenetic location: Xq22.3.
Variant type: single nucleotide variant.
Coding change: c.678T>G on transcript NM_002764.4 (MANE Select); coding-DNA position 678, T replaced by G.
Protein change: p.Cys226Trp; replaces cysteine 226 with tryptophan.
Molecular consequence: missense variant.
Genome position (GRCh38, 1-based): chrX:107,645,324, T>G. VCF-style: chrX-107645324-T-G. GRCh37 (hg19) VCF-style: chrX-106888554-T-G.
Other names: c.66T>G, p.Cys22Trp (NM_001204402.2); short protein forms C226W, C22W.
Identifiers: ClinVar variation 3893302 (VCV003893302.1).